The following is an entry in ClinVar:

NM_001127222.2(CACNA1A):c.3803C>T (p.Pro1268Leu)

Gene: CACNA1A (calcium voltage-gated channel subunit alpha1 A; minus strand). Cytogenetic location: 19p13.13.
Variant type: single nucleotide variant.
Coding change: c.3803C>T on transcript NM_001127222.2 (MANE Select); coding-DNA position 3803, C replaced by T.
Protein change: p.Pro1268Leu; replaces proline 1268 with leucine.
Molecular consequence: missense variant.
Genome position (GRCh38, 1-based): chr19:13,283,286, G>A on the plus strand (C>T on the coding strand, the complement: CACNA1A is on the minus strand). VCF-style: chr19-13283286-G-A. GRCh37 (hg19) VCF-style: chr19-13394100-G-A.
Other names: c.3815C>T, p.Pro1272Leu (NM_000068.4, NM_023035.3); c.3806C>T, p.Pro1269Leu (NM_001127221.2, NM_001174080.2); short protein forms P1269L, P1268L, P1272L.
Identifiers: ClinVar variation 387528 (VCV000387528.10), dbSNP rs1057522815, ClinGen allele CA16607722.
Genomic context (GRCh38, chr19:13,283,286, plus strand): 5'-GAGCAGCCAGGCTAGGAAGGGGTGTGCTCTGTGGGACTCACGTTGTTCCGAGGTGCGTTG[G>A]GCTGCACAGGGTCCTCGGCGGCCAGGGCGATGCTGCTCATGGCAATGACCATGAGGATGC-3'
Protein context (NP_001120694.1, residues 1258-1278): IALAAEDPVQ[Pro1268Leu]NAPRNNVLRY

ClinVar aggregate classification (germline): Uncertain significance. Review status: criteria provided, multiple submitters, no conflicts (2 of 4 stars). 3 submissions from 3 submitters: Uncertain significance (3). Last evaluated 2025-01-24.

Conditions:
Episodic ataxia type 2 (EA2). Also called: ATAXIA, EPISODIC, WITH NYSTAGMUS; ATAXIA, FAMILIAL PAROXYSMAL; CEREBELLAR ATAXIA, PAROXYSMAL, ACETAZOLAMIDE-RESPONSIVE; CEREBELLOPATHY, HEREDITARY PAROXYSMAL; ACETAZOLAMIDE-RESPONSIVE HEREDITARY PAROXYSMAL CEREBELLAR ATAXIA; EPISODIC ATAXIA, NYSTAGMUS-ASSOCIATED. Identifiers: Orphanet 97, MedGen C1720416, MONDO:0007163, OMIM 108500.
Developmental and epileptic encephalopathy, 42 (DEE42A). Also called: DEVELOPMENTAL AND EPILEPTIC ENCEPHALOPATHY 42A; EPILEPTIC ENCEPHALOPATHY, EARLY INFANTILE, 42A; Epileptic encephalopathy, early infantile, 42. Identifiers: MedGen C4310716, MONDO:0014917, OMIM 617106.
Spinocerebellar ataxia type 6 (SCA6). Identifiers: Orphanet 98758, MedGen C0752124, MONDO:0008457, OMIM 183086.

Allele frequency attached by ClinVar (database versions not stated): gnomAD exomes below 0.00001; TOPMed below 0.00001; gnomAD 0.00001.
gnomAD v4.1: 4 of 1,613,850 alleles (0.00025%); highest among the groups gnomAD compares: African/African-American, 0.0013%; no homozygotes.

Submissions (3):

GeneDx
Classification: Uncertain significance. Last evaluated: 2025-01-24. Review status: criteria provided, single submitter. Criteria: GeneDx Variant Classification Process June 2021. Collection method: clinical testing. Allele origin: germline. Affected: yes.
Comment: Not observed at significant frequency in large population cohorts (gnomAD); In silico analysis supports that this missense variant has a deleterious effect on protein structure/function; Has not been previously published as pathogenic or benign to our knowledge

Pittsburgh Clinical Genomics Laboratory, University of Pittsburgh Medical Center
Classification: Uncertain significance for Spinocerebellar ataxia type 6. Last evaluated: 2024-04-26. Review status: criteria provided, single submitter. Criteria: ACMG Guidelines, 2015. Collection method: clinical testing. Allele origin: germline. Inheritance: Autosomal dominant inheritance. Affected: yes.
Comment: This sequence variant is a single nucleotide substitution (C>T) at position 3803 of the coding sequence of the CACNA1A gene that results in a proline to leucine amino acid change at residue 1268 of the calcium voltage-gated channel subunit alpha1 A protein. This residue falls in the extracellular portion of domain III (UniProt). This is a previously reported variant (ClinVar 387528) that has not been observed in individuals affected by a CACNA1A-related disorder in the published literature, to our knowledge. This variant is present in 4 of 1613850 alleles (0.0002%) in the gnomAD v4.0.0 population dataset. Multiple bioinformatic tools predict that this amino acid change would be damaging, and the Pro1268 residue at this position is highly conserved across the vertebrate species examined. Studies examining the functional consequence of this variant have not been published, to our knowledge. At this time, there is insufficient evidence to determine if this variant is pathogenic or benign. Therefore, we consider this a variant of uncertain significance. ACMG Criteria: PM2, PP3

Labcorp Genetics (formerly Invitae), Labcorp
Classification: Uncertain significance for Developmental and epileptic encephalopathy, 42; Episodic ataxia type 2. Last evaluated: 2023-01-18. Review status: criteria provided, single submitter. Criteria: Invitae Variant Classification Sherloc (09022015). Collection method: clinical testing. Allele origin: germline.
Comment: This variant has not been reported in the literature in individuals affected with CACNA1A-related conditions. In summary, the available evidence is currently insufficient to determine the role of this variant in disease. Therefore, it has been classified as a Variant of Uncertain Significance. Advanced modeling of protein sequence and biophysical properties (such as structural, functional, and spatial information, amino acid conservation, physicochemical variation, residue mobility, and thermodynamic stability) performed at Invitae indicates that this missense variant is expected to disrupt CACNA1A protein function. ClinVar contains an entry for this variant (Variation ID: 387528). This variant is not present in population databases (gnomAD no frequency). This sequence change replaces proline, which is neutral and non-polar, with leucine, which is neutral and non-polar, at codon 1269 of the CACNA1A protein (p.Pro1269Leu).